The following is an entry in ClinVar:

ClinVar aggregate classification (germline): Uncertain significance. Review status: criteria provided, single submitter (1 of 4 stars). 3 submissions from 2 submitters: Uncertain significance (2). 1 of the submissions does not count toward it. Last evaluated 2018-01-13.

Conditions:
FLCN-related disorder. Also called: FLCN-related condition.
Familial spontaneous pneumothorax (PSP). Identifiers: Orphanet 2903, MedGen C1868193, MONDO:0008259, OMIM 173600.
Birt-Hogg-Dube syndrome. Also called: Birt Hogg Dubé syndrome. Identifiers: Orphanet 122, MedGen C0346010, MONDO:0800444.

Allele frequency attached by ClinVar (database versions not stated): TOPMed 0.00009.

Submissions (3):

Illumina Laboratory Services, Illumina
Classification: Uncertain significance for Familial spontaneous pneumothorax. Last evaluated: 2018-01-13. Review status: criteria provided, single submitter. Criteria: ICSL Variant Classification Criteria 13 December 2019. Collection method: clinical testing. Allele origin: germline.

Illumina Laboratory Services, Illumina
Classification: Uncertain significance for Birt-Hogg-Dube syndrome 1. Last evaluated: 2018-01-13. Review status: criteria provided, single submitter. Criteria: ICSL Variant Classification Criteria 13 December 2019. Collection method: clinical testing. Allele origin: germline.

PreventionGenetics, part of Exact Sciences
Classification: Likely benign for FLCN-related condition. Last evaluated: 2024-04-23. Review status: no assertion criteria provided. Collection method: clinical testing. Allele origin: germline. Not counted in ClinVar's aggregate classification.
Comment: This variant is classified as likely benign based on ACMG/AMP sequence variant interpretation guidelines (Richards et al. 2015 PMID: 25741868, with internal and published modifications).

NM_144997.7(FLCN):c.-143C>A

Gene: FLCN (folliculin; minus strand). Cytogenetic location: 17p11.2.
Variant type: single nucleotide variant.
Coding change: c.-143C>A on transcript NM_144997.7 (MANE Select); 143 bases upstream of the start codon, C replaced by A.
Molecular consequence: 5 prime UTR variant.
Genome position (GRCh38, 1-based): chr17:17,232,817, G>T on the plus strand (C>A on the coding strand, the complement: FLCN is on the minus strand). VCF-style: chr17-17232817-G-T. GRCh37 (hg19) VCF-style: chr17-17136131-G-T.
Other names: c.-143C>A (NM_001353229.2, NM_144606.7, LRG_325t1); c.-426C>A (NM_001353230.2); c.-342C>A (NM_001353231.2).
Identifiers: ClinVar variation 322080 (VCV000322080.6), dbSNP rs560968516, ClinGen allele CA10639035.